The following is an entry in ClinVar:

NM_001370259.2(MEN1):c.818T>G (p.Leu273Arg)

Gene: MEN1 (menin 1; minus strand). Cytogenetic location: 11q13.1.
Variant type: single nucleotide variant.
Coding change: c.818T>G on transcript NM_001370259.2 (MANE Select); coding-DNA position 818, T replaced by G.
Protein change: p.Leu273Arg; replaces leucine 273 with arginine.
Molecular consequence: missense variant.
Genome position (GRCh38, 1-based): chr11:64,807,185, A>C on the plus strand (T>G on the coding strand, the complement: MEN1 is on the minus strand). VCF-style: chr11-64807185-A-C. GRCh37 (hg19) VCF-style: chr11-64574657-A-C.
Other names: c.833T>G, p.Leu278Arg (NM_000244.4, NM_001407145.1, NM_001407150.1 and 5 more transcripts); c.818T>G, p.Leu273Arg (NM_001370251.2, NM_001370260.2, NM_001370261.2 and 7 more transcripts); c.713T>G, p.Leu238Arg (NM_001370262.2, NM_001370263.2, NM_001407148.1 and 2 more transcripts); short protein forms L273R, L278R, L238R.
Identifiers: ClinVar variation 2005328 (VCV002005328.4), dbSNP rs1592647281, ClinGen allele CA381183896.

ClinVar aggregate classification (germline): Likely pathogenic (1 of 4 stars; one submission).

Conditions:
Multiple endocrine neoplasia, type 1 (MEN1). Also called: WERMER SYNDROME; Endocrine adenomatosis multiple; MEN 1; MEN I; MEA I. Identifiers: Orphanet 652, MedGen C0025267, MeSH D018761, MONDO:0007540, OMIM 131100.

Submission:

Labcorp Genetics (formerly Invitae), Labcorp
Classification: Likely pathogenic for Multiple endocrine neoplasia, type 1. Last evaluated: 2023-06-09. Review status: criteria provided, single submitter. Criteria: Invitae Variant Classification Sherloc (09022015). Collection method: clinical testing. Allele origin: germline.
Comment: This sequence change replaces leucine, which is neutral and non-polar, with arginine, which is basic and polar, at codon 273 of the MEN1 protein (p.Leu273Arg). This variant is not present in population databases (gnomAD no frequency). In summary, the currently available evidence indicates that the variant is pathogenic, but additional data are needed to prove that conclusively. Therefore, this variant has been classified as Likely Pathogenic. This variant disrupts the p.Leu273 amino acid residue in MEN1. Other variant(s) that disrupt this residue have been determined to be pathogenic (PMID: 11435815, 29497973; Invitae). This suggests that this residue is clinically significant, and that variants that disrupt this residue are likely to be disease-causing. Advanced modeling of protein sequence and biophysical properties (such as structural, functional, and spatial information, amino acid conservation, physicochemical variation, residue mobility, and thermodynamic stability) performed at Invitae indicates that this missense variant is expected to disrupt MEN1 protein function. ClinVar contains an entry for this variant (Variation ID: 2005328). This variant has not been reported in the literature in individuals affected with MEN1-related conditions.

Literature cited by the submitters: PubMed 11435815; PubMed 29497973.